The following is an entry in ClinVar:

ClinVar aggregate classification (germline): Uncertain significance (1 of 4 stars; one submission).

Submission:

Labcorp Genetics (formerly Invitae), Labcorp
Classification: Uncertain significance. Last evaluated: 2024-02-09. Review status: criteria provided, single submitter. Criteria: Invitae Variant Classification Sherloc (09022015). Collection method: clinical testing. Allele origin: germline.
Comment: This sequence change replaces aspartic acid, which is acidic and polar, with isoleucine, which is neutral and non-polar, at codon 93 of the GNAT1 protein (p.Asp93Ile). This variant is present in population databases (no rsID available, gnomAD 0.003%). This variant has not been reported in the literature in individuals affected with GNAT1-related conditions. ClinVar contains an entry for this variant (Variation ID: 1405096). An algorithm developed to predict the effect of missense changes on protein structure and function (PolyPhen-2) suggests that this variant is likely to be tolerated. In summary, the available evidence is currently insufficient to determine the role of this variant in disease. Therefore, it has been classified as a Variant of Uncertain Significance.

NM_144499.3(GNAT1):c.277_278delinsAT (p.Asp93Ile)

Gene: GNAT1 (G protein subunit alpha transducin 1; plus strand). Cytogenetic location: 3p21.31.
Variant type: Indel.
Coding change: c.277_278delinsAT on transcript NM_144499.3 (MANE Select); coding-DNA positions 277 to 278, GA replaced by AT.
Protein change: p.Asp93Ile; replaces aspartic acid 93 with isoleucine.
Molecular consequence: missense variant.
Genome position (GRCh38, 1-based): chr3:50,193,392-50,193,393, GA replaced by AT. VCF-style: chr3-50193392-GA-AT. GRCh37 (hg19) VCF-style: chr3-50230825-GA-AT.
Other names: c.277_278delinsAT, p.Asp93Ile (NM_000172.4); short protein forms D93I.
Identifiers: ClinVar variation 1405096 (VCV001405096.6), dbSNP rs2109138554, ClinGen allele CA2573137204.